The following is an entry in ClinVar:

NC_012920.1(MT-CO1):m.7389T>C

Gene: MT-CO1 (mitochondrially encoded cytochrome c oxidase I; plus strand).
Variant type: single nucleotide variant.
Genome position: chrM-7389-T-C.
Identifiers: ClinVar variation 692741 (VCV000692741.2), dbSNP rs9783095, ClinGen allele CA337097609.

ClinVar aggregate classification (germline): Benign/Likely benign. Review status: criteria provided, multiple submitters, no conflicts (2 of 4 stars). 2 submissions from 2 submitters: Benign (1); Likely benign (1). Last evaluated 2025-02-16.

Conditions:
Leigh syndrome (NULS). Also called: Leigh's necrotizing encephalopathy; Leigh's disease; Leigh Syndrome (mtDNA deletion); Leigh Disease; Subacute necrotizing encephalopathy; Necrotizing encephalopathy infantile subacute of Leigh. Identifiers: Orphanet 506, MedGen C2931891, MONDO:0009723, OMIM 256000.

Submissions (2):

Laboratory of Genetics, Children's Clinical University Hospital Latvia
Classification: Likely benign. Last evaluated: 2025-02-16. Review status: criteria provided, single submitter. Criteria: ACMG Guidelines, 2015. Collection method: clinical testing. Allele origin: germline. Affected: yes.

Wong Mito Lab, Molecular and Human Genetics, Baylor College of Medicine
Classification: Benign for Leigh syndrome. Last evaluated: 2019-10-17. Review status: criteria provided, single submitter. Criteria: Modified ACMG Guidelines (Unpublished). Collection method: clinical testing. Allele origin: germline.
Comment: The NC_012920.1:m.7389T>C (YP_003024028.1:p.Tyr496His) variant in MTCO1 gene is interpretated to be a Benign variant based on the modified ACMG guidelines (unpublished). This variant meets the following evidence codes: BA1